The following is an entry in ClinVar:

NM_024301.5(FKRP):c.501_502delinsCC (p.Arg167_Cys168delinsSerArg)

Gene: FKRP (fukutin related protein; plus strand). Cytogenetic location: 19q13.32.
Variant type: Indel.
Coding change: c.501_502delinsCC on transcript NM_024301.5 (MANE Select); coding-DNA positions 501 to 502, GT replaced by CC.
Protein change: p.Arg167_Cys168delinsSerArg.
Molecular consequence: missense variant.
Genome position (GRCh38, 1-based): chr19:46,755,951-46,755,952, GT replaced by CC. VCF-style: chr19-46755951-GT-CC. GRCh37 (hg19) VCF-style: chr19-47259208-GT-CC.
Other names: c.501_502delinsCC (NM_024301.4); c.501_502delinsCC, p.Arg167_Cys168delinsSerArg (NM_001039885.3).
Identifiers: ClinVar variation 1409796 (VCV001409796.9), dbSNP rs2122616718, ClinGen allele CA2573156475.
Genomic context (GRCh38, chr19:46,755,951, plus strand): 5'-GCTCCGCGCAGGAAGCGCACGTCTGGTGGCCGCCCCGGTTGCCACGGCCAACCCTGCCAG[GT>CC]GCCTGGCCCTGAACGTCAGCCTGCGAGAGTGGACCGCCCGCTATGGCGCAGCCCCCGCCG-3'

ClinVar aggregate classification (germline): Conflicting classifications of pathogenicity. Review status: criteria provided, conflicting classifications (1 of 4 stars). 4 submissions from 4 submitters: Likely pathogenic (1); Uncertain significance (3). Last evaluated 2024-08-20.

Conditions:
Walker-Warburg congenital muscular dystrophy. Also called: Muscular dystrophy-dystroglycanopathy, type A; Walker-Warburg syndrome. Identifiers: Orphanet 899, MedGen C0265221, MONDO:0000171.
Muscular dystrophy-dystroglycanopathy type B5 (MDDGB5). Also called: MUSCULAR DYSTROPHY-DYSTROGLYCANOPATHY (CONGENITAL WITH OR WITHOUT IMPAIRED INTELLECTUAL DEVELOPMENT), TYPE B, 5; MUSCULAR DYSTROPHY, CONGENITAL, 1C; MUSCULAR DYSTROPHY, CONGENITAL, FKRP-RELATED. Identifiers: MedGen C1847759, MONDO:0011688, OMIM 606612.
Autosomal recessive limb-girdle muscular dystrophy type 2I. Also called: MUSCULAR DYSTROPHY-DYSTROGLYCANOPATHY (LIMB-GIRDLE), TYPE C, 5; MUSCULAR DYSTROPHY-DYSTROGLYCANOPATHY, LIMB-GIRDLE, FRKP-RELATED; MUSCULAR DYSTROPHY, LIMB-GIRDLE, TYPE 2I. Identifiers: Orphanet 34515, MedGen C1846672, MONDO:0011787, OMIM 607155.
Muscular dystrophy-dystroglycanopathy (congenital with brain and eye anomalies), type A5. Also called: MUSCULAR DYSTROPHY-DYSTROGLYCANOPATHY (CONGENITAL WITH BRAIN AND EYE ANOMALIES), TYPE A, 5; WALKER-WARBURG SYNDROME OR MUSCLE-EYE-BRAIN DISEASE, FKRP-RELATED. Identifiers: Orphanet 588, Orphanet 899, MedGen C3150413, MONDO:0013157, OMIM 613153.

Submissions (4):

GeneDx
Classification: Uncertain significance. Last evaluated: 2024-08-20. Review status: criteria provided, single submitter. Criteria: GeneDx Variant Classification Process June 2021. Collection method: clinical testing. Allele origin: germline. Affected: yes.
Comment: Identified in the compound heterozygous state and the homozygous state in patients with muscular dystrophy-dystroglycanopathies (MDDG) in published literature (PMID: 34509255, 28629604); Not observed at significant frequency in large population cohorts (gnomAD); In silico analysis indicates that this variant does not alter protein structure/function; This variant is associated with the following publications: (PMID: 37087885, 34509255, 28629604)

Fulgent Genetics
Classification: Likely pathogenic for Muscular dystrophy-dystroglycanopathy type B5; Autosomal recessive limb-girdle muscular dystrophy type 2I; Muscular dystrophy-dystroglycanopathy (congenital with brain and eye anomalies), type A5. Last evaluated: 2024-04-30. Review status: criteria provided, single submitter. Criteria: ACMG Guidelines, 2015. Collection method: clinical testing. Allele origin: germline.

Women's Health and Genetics/Laboratory Corporation of America, LabCorp
Classification: Uncertain significance. Last evaluated: 2024-04-26. Review status: criteria provided, single submitter. Criteria: LabCorp Variant Classification Summary - May 2015. Collection method: clinical testing. Allele origin: germline.
Comment: Variant summary: FKRP c.501_502delinsCC (p.Arg167_Cys168delinsSerArg) results in an in-frame deletion-insertion that is predicted to delete 2 and insert 2 amino acids in the protein. The variant was absent in 133364 control chromosomes. c.501_502delinsCC has been reported in the literature in individuals affected with congenital muscular dystrophy and was homozygous in at least one patient (e.g. Awano_2021, Yoshioka_2021, Ko_2023). These data indicate that the variant may be associated with disease. To our knowledge, no experimental evidence demonstrating an impact on protein function has been reported. The following publications have been ascertained in the context of this evaluation (PMID: 34509255, 37087885, 28629604). ClinVar contains an entry for this variant (Variation ID: 1409796). Based on the evidence outlined above, the variant was classified as VUS-possibly pathogenic.

Labcorp Genetics (formerly Invitae), Labcorp
Classification: Uncertain significance for Walker-Warburg congenital muscular dystrophy. Last evaluated: 2021-03-02. Review status: criteria provided, single submitter. Criteria: Invitae Variant Classification Sherloc (09022015). Collection method: clinical testing. Allele origin: germline.
Comment: In summary, the available evidence is currently insufficient to determine the role of this variant in disease. Therefore, it has been classified as a Variant of Uncertain Significance. Algorithms developed to predict the effect of sequence changes on RNA splicing suggest that this variant may create or strengthen a splice site, but this prediction has not been confirmed by published transcriptional studies. Experimental studies and prediction algorithms are not available or were not evaluated, and the functional significance of this variant is currently unknown. This variant has been observed in individual(s) with congenital muscular dystrophy (PMID: 28629604). The frequency data for this variant in the population databases is considered unreliable, as metrics indicate insufficient coverage at this position in the ExAC database. This variant, c.501_502delinsCC, is a complex sequence change that results in the deletion and insertion of 2 amino acid(s) in the FKRP protein (p.Arg167_Cys168delinsSerArg).

Literature cited by the submitters: PubMed 34509255 (cited by Women's Health and Genetics/Laboratory Corporation of America, LabCorp); PubMed 37087885 (cited by Women's Health and Genetics/Laboratory Corporation of America, LabCorp); PubMed 28629604 (cited by Women's Health and Genetics/Laboratory Corporation of America, LabCorp and Labcorp Genetics (formerly Invitae), Labcorp).